The following is an entry in ClinVar:

ClinVar aggregate classification (germline): Uncertain significance. Review status: criteria provided, multiple submitters, no conflicts (2 of 4 stars). 2 submissions from 2 submitters: Uncertain significance (2). Last evaluated 2025-11-23.

Conditions:
Inborn genetic diseases. Identifiers: MedGen C0950123, MeSH D030342.
Cowden syndrome (CS). Also called: Cowden's disease; Cowden's syndrome; Cowden disease. Identifiers: Orphanet 201, MedGen C0018553, MONDO:0016063. Disease mechanism: gain of function.

Allele frequency attached by ClinVar (database versions not stated): gnomAD exomes below 0.00001.
gnomAD v4.1: 1 of 1,606,368 alleles (0.000062%); no homozygotes.

Submissions (2):

Ambry Genetics
Classification: Uncertain significance for Inborn genetic diseases. Last evaluated: 2025-11-23. Review status: criteria provided, single submitter. Criteria: Ambry Variant Classification Scheme 2023. Collection method: clinical testing. Allele origin: germline.
Comment: The p.M789V variant (also known as c.2365A>G), located in coding exon 15 of the PIK3CA gene, results from an A to G substitution at nucleotide position 2365. The methionine at codon 789 is replaced by valine, an amino acid with highly similar properties. This amino acid position is conserved. In addition, this alteration is predicted to be deleterious by in silico analysis. Based on the available evidence, the clinical significance of this variant remains unclear.

Labcorp Genetics (formerly Invitae), Labcorp
Classification: Uncertain significance for Cowden syndrome. Last evaluated: 2020-08-06. Review status: criteria provided, single submitter. Criteria: Invitae Variant Classification Sherloc (09022015). Collection method: clinical testing. Allele origin: germline.
Comment: This variant is not present in population databases (ExAC no frequency). This sequence change replaces methionine with valine at codon 789 of the PIK3CA protein (p.Met789Val). The methionine residue is highly conserved and there is a small physicochemical difference between methionine and valine. This variant has not been reported in the literature in individuals with PIK3CA-related conditions. In summary, the available evidence is currently insufficient to determine the role of this variant in disease. Therefore, it has been classified as a Variant of Uncertain Significance. Algorithms developed to predict the effect of missense changes on protein structure and function are either unavailable or do not agree on the potential impact of this missense change (SIFT: "Deleterious"; PolyPhen-2: "Benign"; Align-GVGD: "Class C0").

NM_006218.4(PIK3CA):c.2365A>G (p.Met789Val)

Gene: PIK3CA (phosphatidylinositol-4,5-bisphosphate 3-kinase catalytic subunit alpha; plus strand). Cytogenetic location: 3q26.32.
Variant type: single nucleotide variant.
Coding change: c.2365A>G on transcript NM_006218.4 (MANE Select); coding-DNA position 2365, A replaced by G.
Protein change: p.Met789Val; replaces methionine 789 with valine.
Molecular consequence: missense variant.
Genome position (GRCh38, 1-based): chr3:179,224,770, A>G. VCF-style: chr3-179224770-A-G. GRCh37 (hg19) VCF-style: chr3-178942558-A-G.
Other names: c.2365A>G (NM_006218.2); short protein forms M789V.
Identifiers: ClinVar variation 1051843 (VCV001051843.10), dbSNP rs2108418054, ClinGen allele CA355272224.